The following is an entry in ClinVar:

NM_152383.5(DIS3L2):c.59C>G (p.Ser20Cys)

Gene: DIS3L2 (DIS3 like 3'-5' exoribonuclease 2; plus strand). Cytogenetic location: 2q37.1.
Variant type: single nucleotide variant.
Coding change: c.59C>G on transcript NM_152383.5 (MANE Select); coding-DNA position 59, C replaced by G.
Protein change: p.Ser20Cys; replaces serine 20 with cysteine.
Molecular consequence: missense variant. On other transcripts: non-coding transcript variant (2).
Genome position (GRCh38, 1-based): chr2:232,015,520, C>G. VCF-style: chr2-232015520-C-G. GRCh37 (hg19) VCF-style: chr2-232880230-C-G.
Other names: c.59C>G, p.Ser20Cys (NM_001257281.2, NM_001257282.2); short protein forms S20C.
Identifiers: ClinVar variation 1020518 (VCV001020518.6), dbSNP rs1694327799, ClinGen allele CA351151822.

ClinVar aggregate classification (germline): Uncertain significance (1 of 4 stars; one submission).

Conditions:
Perlman syndrome (PRLMNS). Identifiers: Orphanet 2849, MedGen C0796113, MONDO:0009965, OMIM 267000.

Allele frequency attached by ClinVar (database versions not stated): gnomAD exomes below 0.00001.
gnomAD v4.1: 2 of 1,613,662 alleles (0.00012%); highest among the groups gnomAD compares: Non-Finnish European, 0.00017%; no homozygotes.

Submission:

Labcorp Genetics (formerly Invitae), Labcorp
Classification: Uncertain significance for Perlman syndrome. Last evaluated: 2023-05-03. Review status: criteria provided, single submitter. Criteria: Invitae Variant Classification Sherloc (09022015). Collection method: clinical testing. Allele origin: germline.
Comment: In summary, the available evidence is currently insufficient to determine the role of this variant in disease. Therefore, it has been classified as a Variant of Uncertain Significance. An algorithm developed to predict the effect of missense changes on protein structure and function (PolyPhen-2) suggests that this variant is likely to be disruptive. ClinVar contains an entry for this variant (Variation ID: 1020518). This variant has not been reported in the literature in individuals affected with DIS3L2-related conditions. This variant is not present in population databases (gnomAD no frequency). This sequence change replaces serine, which is neutral and polar, with cysteine, which is neutral and slightly polar, at codon 20 of the DIS3L2 protein (p.Ser20Cys).